The following is an entry in ClinVar:

ClinVar aggregate classification (germline): Conflicting classifications of pathogenicity. Review status: criteria provided, conflicting classifications (1 of 4 stars). 4 submissions from 4 submitters: Uncertain significance (2); Benign (1). 1 of the submissions does not count toward it. Last evaluated 2026-01-28.

Conditions:
Autosomal recessive nonsyndromic hearing loss 77. Identifiers: Orphanet 90636, MedGen C2746083, MONDO:0013119, OMIM 613079.

Allele frequency attached by ClinVar (database versions not stated): TOPMed 0.00039; 1000 Genomes Project 30x 0.00062; 1000 Genomes Project 0.00080.
gnomAD v4.1: 233 of 1,551,388 alleles (0.015%); highest among the groups gnomAD compares: East Asian, 0.34%; 3 homozygotes.

Submissions (4):

Labcorp Genetics (formerly Invitae), Labcorp
Classification: Benign. Last evaluated: 2026-01-28. Review status: criteria provided, single submitter. Criteria: Invitae Variant Classification Sherloc (09022015). Collection method: clinical testing. Allele origin: germline.

Illumina Laboratory Services, Illumina
Classification: Uncertain significance for Autosomal recessive nonsyndromic hearing loss 77. Last evaluated: 2018-01-12. Review status: criteria provided, single submitter. Criteria: ICSL Variant Classification Criteria 13 December 2019. Collection method: clinical testing. Allele origin: germline.

Laboratory for Molecular Medicine, Mass General Brigham Personalized Medicine
Classification: Uncertain significance. Last evaluated: 2013-03-09. Review status: criteria provided, single submitter. Criteria: LMM Criteria. Collection method: clinical testing. Allele origin: germline. Observed: 1 variant allele.
Comment: The 1810-6C>G variant in LOXHD1 has not been reported in individuals affected wi th hearing loss, but has been identified in 0.3% (1/339) of chromosomes by the C linSeq Project (dbSNP rs199804946), though this frequency is not high enough to rule out a pathogenic role. This variant is located in the 3' splice region but does not affect the invariant -1 and -2 positions. Computational tools do not su ggest an impact to splicing; however, this information is not predictive enough to rule out pathogenicity. In summary, additional information is needed to fully assess the clinical significance of this variant.

Natera, Inc.
Classification: Uncertain significance for Autosomal recessive deafness type 77. Last evaluated: 2019-10-28. Review status: no assertion criteria provided. Collection method: clinical testing. Allele origin: germline. Not counted in ClinVar's aggregate classification.

NM_001384474.1(LOXHD1):c.1810-6C>G

Gene: LOXHD1 (lipoxygenase homology PLAT domains 1; minus strand). Cytogenetic location: 18q21.1.
Variant type: single nucleotide variant.
Coding change: c.1810-6C>G on transcript NM_001384474.1 (MANE Select); 6 bases into the intron before coding-DNA position 1810, C replaced by G.
Molecular consequence: intron variant.
Genome position (GRCh38, 1-based): chr18:46,577,873, G>C on the plus strand (C>G on the coding strand, the complement: LOXHD1 is on the minus strand). VCF-style: chr18-46577873-G-C. GRCh37 (hg19) VCF-style: chr18-44157836-G-C.
Other names: c.1810-6C>G (NM_144612.7).
Identifiers: ClinVar variation 47921 (VCV000047921.17), dbSNP rs199804946, ClinGen allele CA142191.